The following is an entry in ClinVar:

ClinVar aggregate classification (germline): Uncertain significance (1 of 4 stars; one submission).

Submission:

Labcorp Genetics (formerly Invitae), Labcorp
Classification: Uncertain significance. Last evaluated: 2025-09-22. Review status: criteria provided, single submitter. Criteria: Invitae Variant Classification Sherloc (09022015). Collection method: clinical testing. Allele origin: germline.
Comment: This sequence change replaces alanine, which is neutral and non-polar, with proline, which is neutral and non-polar, at codon 985 of the ADAMTS18 protein (p.Ala985Pro). This variant is not present in population databases (gnomAD no frequency). This variant has not been reported in the literature in individuals affected with ADAMTS18-related conditions. An algorithm developed to predict the effect of missense changes on protein structure and function (PolyPhen-2) suggests that this variant is likely to be tolerated. In summary, the available evidence is currently insufficient to determine the role of this variant in disease. Therefore, it has been classified as a Variant of Uncertain Significance.

NM_199355.4(ADAMTS18):c.2953G>C (p.Ala985Pro)

Gene: ADAMTS18 (ADAM metallopeptidase with thrombospondin type 1 motif 18; minus strand). Cytogenetic location: 16q23.1.
Variant type: single nucleotide variant.
Coding change: c.2953G>C on transcript NM_199355.4 (MANE Select); coding-DNA position 2953, G replaced by C.
Protein change: p.Ala985Pro; replaces alanine 985 with proline.
Molecular consequence: missense variant.
Genome position (GRCh38, 1-based): chr16:77,294,976, C>G on the plus strand (G>C on the coding strand, the complement: ADAMTS18 is on the minus strand). VCF-style: chr16-77294976-C-G. GRCh37 (hg19) VCF-style: chr16-77328873-C-G.
Other names: c.2437G>C, p.Ala813Pro (NM_001326358.2); short protein forms A813P, A985P.
Identifiers: ClinVar variation 4804821 (VCV004804821.1).